The following is an entry in ClinVar:

ClinVar aggregate classification (germline): Conflicting classifications of pathogenicity. Review status: criteria provided, conflicting classifications (1 of 4 stars). 8 submissions from 8 submitters: Uncertain significance (4); Likely benign (1). 3 of the submissions do not count toward it. Last evaluated 2026-01-27.

Conditions:
Hereditary cancer-predisposing syndrome. Also called: Tumor predisposition; Neoplastic Syndromes, Hereditary; Hereditary Cancer Syndrome; Hereditary neoplastic syndrome. Identifiers: Orphanet 140162, MedGen C0027672, MeSH D009386, MONDO:0015356.
Hereditary breast ovarian cancer syndrome. Also called: Hereditary breast and ovarian cancer syndrome (HBOC); Hereditary breast and ovarian cancer syndrome; Hereditary breast and ovarian cancer; Hereditary breast and/or ovarian cancer syndrome; Breast and ovarian cancer; BRCA1- and BRCA2-Associated Hereditary Breast and Ovarian Cancer. Identifiers: Orphanet 145, MedGen C0677776, MeSH D061325, MONDO:0003582. Disease mechanism: loss of function.
Breast-ovarian cancer, familial, susceptibility to, 1 (BROVCA1). Also called: OVARIAN CANCER, SUSCEPTIBILITY TO; BRCA1 Hereditary Breast and Ovarian Cancer. Identifiers: Orphanet 145, MedGen C2676676, MONDO:0011450, OMIM 604370. Disease mechanism: loss of function.

Allele frequency attached by ClinVar (database versions not stated): gnomAD exomes 0.00001; ExAC 0.00002.
gnomAD v4.1: 3 of 1,613,968 alleles (0.00019%); highest among the groups gnomAD compares: Non-Finnish European, 0.00025%; no homozygotes.

Submissions (8):

Labcorp Genetics (formerly Invitae), Labcorp
Classification: Uncertain significance for Hereditary breast ovarian cancer syndrome. Last evaluated: 2026-01-27. Review status: criteria provided, single submitter. Criteria: Invitae Variant Classification Sherloc (09022015). Collection method: clinical testing. Allele origin: germline.
Comment: This sequence change replaces serine, which is neutral and polar, with tyrosine, which is neutral and polar, at codon 645 of the BRCA1 protein (p.Ser645Tyr). This variant is present in population databases (rs80357129, gnomAD 0.003%). This missense change has been observed in individual(s) with breast and ovarian cancer (PMID: 18273839, 19491284, 23593081, 25415331, 27062684, 30702160). This variant is also known as 2053C-A (S645Y). ClinVar contains an entry for this variant (Variation ID: 54404). Invitae Evidence Modeling of protein sequence and biophysical properties (such as structural, functional, and spatial information, amino acid conservation, physicochemical variation, residue mobility, and thermodynamic stability) indicates that this missense variant is expected to disrupt BRCA1 protein function with a positive predictive value of 80%. In summary, the available evidence is currently insufficient to determine the role of this variant in disease. Therefore, it has been classified as a Variant of Uncertain Significance.

Ambry Genetics
Classification: Uncertain significance for Hereditary cancer-predisposing syndrome. Last evaluated: 2025-08-06. Review status: criteria provided, single submitter. Criteria: Ambry Variant Classification Scheme 2023. Collection method: clinical testing. Allele origin: germline.
Comment: The p.S645Y variant (also known as c.1934C>A), located in coding exon 9 of the BRCA1 gene, results from a C to A substitution at nucleotide position 1934. The serine at codon 645 is replaced by tyrosine, an amino acid with dissimilar properties. This alteration has been identified in individuals with personal and/or family history of breast and/or ovarian cancer (Haffty BG et al. Ann. Oncol., 2009 Oct;20:1653-9; Ou J et al. J Breast Cancer, 2013 Mar;16:50-4; Azzollini J et al. Eur J Intern Med, 2016 Jul;32:65-71; Kim YC et al. Oncotarget, 2016 Feb;7:9600-12; Zuntini R et al. Front Genet, 2018 Sep;9:378). This amino acid position is not well conserved in available vertebrate species. In addition, this alteration is predicted to be deleterious by in silico analysis. Based on the available evidence, the clinical significance of this variant remains unclear.

GeneDx
Classification: Uncertain significance. Last evaluated: 2024-05-24. Review status: criteria provided, single submitter. Criteria: GeneDx Variant Classification Process June 2021. Collection method: clinical testing. Allele origin: germline. Affected: yes.
Comment: Observed in individuals with a personal and/or family history of breast and/or ovarian cancer (PMID: 11556835, 19491284, 25415331, 27062684, 26848529, 30254663, 35150867); Not observed at significant frequency in large population cohorts (gnomAD); In silico analysis supports that this missense variant has a deleterious effect on protein structure/function; Also known as 2053C>A; This variant is associated with the following publications: (PMID: 27062684, 25415331, 18273839, 16518693, 30254663, 30702160, 26848529, 23593081, 19491284, 11556835, 15343273, 33471991, 31825140, 35150867)

University of Washington Department of Laboratory Medicine, University of Washington
Classification: Likely benign for Hereditary cancer-predisposing syndrome. Last evaluated: 2023-03-23. Review status: criteria provided, single submitter. Criteria: Dines et al. (Genet Med. 2020). Collection method: curation. Allele origin: germline.
Comment: Missense variant in a coldspot region where missense variants are very unlikely to be pathogenic (PMID:31911673).

BRCA1 coldspot (exon 11 using historical exon numbering). Reclassification based on statistical prior probability

Color Diagnostics, LLC DBA Color Health
Classification: Uncertain significance for Hereditary cancer-predisposing syndrome. Last evaluated: 2019-11-15. Review status: criteria provided, single submitter. Criteria: ACMG Guidelines, 2015. Collection method: clinical testing. Allele origin: germline.
Comment: This missense variant replaces serine with tyrosine at codon 645 of the BRCA1 protein. Computational prediction is inconclusive regarding the impact of this variant on protein structure and function (internally defined REVEL score threshold 0.5 < inconclusive < 0.7, PMID: 27666373). Splice site prediction tools suggest that this variant may not impact RNA splicing. To our knowledge, functional studies have not been performed for this variant. This variant has been observed in individuals affected with breast cancer (PMID: 19491284, 23593081, 25415331) and in hereditary breast and ovarian cancer families (PMID: 18273839, 27062684, 30702160). This variant has been identified in 3/250944 chromosomes in the general population by the Genome Aggregation Database (gnomAD). The available evidence is insufficient to determine the role of this variant in disease conclusively. Therefore, this variant is classified as a Variant of Uncertain Significance.

Department of Medical and Surgical Sciences, University of Bologna
Classification: Likely benign for Breast-ovarian cancer, familial, susceptibility to, 1. Last evaluated: 2023-09-01. Review status: no assertion criteria provided. Collection method: clinical testing. Allele origin: germline. Affected: yes. Not counted in ClinVar's aggregate classification.
Comment: BP1(Strong)+BP5(Supporting) according to ACMG/AMP classification guidelines specified for BRCA1 & BRCA2 (Classification Criteria V1.0.0 2023-09-08) (PMID: 38160042)

Research Molecular Genetics Laboratory, Women's College Hospital, University of Toronto
Classification: Uncertain significance. Last evaluated: 2014-01-31. Review status: no assertion criteria provided. Collection method: research. Allele origin: germline. Affected: yes. Study: The Canadian Open Genetics Repository (COGR). Not counted in ClinVar's aggregate classification.

Breast Cancer Information Core (BIC) (BRCA1)
Classification: Uncertain significance for Breast-ovarian cancer, familial 1. Last evaluated: 1997-11-14. Review status: no assertion criteria provided. Collection method: clinical testing. Allele origin: germline. Affected: yes. Observed: 1 variant allele. Not counted in ClinVar's aggregate classification.

Literature cited by the submitters: PubMed 18273839 (cited by Labcorp Genetics (formerly Invitae), Labcorp); PubMed 19491284 (cited by Labcorp Genetics (formerly Invitae), Labcorp and Ambry Genetics); PubMed 23593081 (cited by Labcorp Genetics (formerly Invitae), Labcorp and Ambry Genetics); PubMed 25415331 (cited by Labcorp Genetics (formerly Invitae), Labcorp); PubMed 27062684 (cited by Labcorp Genetics (formerly Invitae), Labcorp and Ambry Genetics); PubMed 30702160 (cited by Labcorp Genetics (formerly Invitae), Labcorp and Ambry Genetics); PubMed 24961674 (cited by Ambry Genetics); PubMed 26848529 (cited by Ambry Genetics); PubMed 30254663 (cited by Ambry Genetics).

NM_007294.4(BRCA1):c.1934C>A (p.Ser645Tyr)

Gene: BRCA1 (BRCA1 DNA repair associated; minus strand). Cytogenetic location: 17q21.31.
Variant type: single nucleotide variant.
Coding change: c.1934C>A on transcript NM_007294.4 (MANE Select); coding-DNA position 1934, C replaced by A.
Protein change: p.Ser645Tyr; replaces serine 645 with tyrosine.
Molecular consequence: missense variant. On other transcripts: intron variant (137).
Genome position (GRCh38, 1-based): chr17:43,093,597, G>T on the plus strand (C>A on the coding strand, the complement: BRCA1 is on the minus strand). VCF-style: chr17-43093597-G-T. GRCh37 (hg19) VCF-style: chr17-41245614-G-T.
Other names: c.1667C>A, p.Ser556Tyr (NM_001407932.1, NM_001407934.1, NM_001407936.1 and 2 more transcripts); c.1670C>A, p.Ser557Tyr (NM_001407933.1, NM_001407935.1, NM_001407920.1 and 9 more transcripts); c.1811C>A, p.Ser604Tyr (NM_001407937.1, NM_001407938.1, NM_001407939.1 and 19 more transcripts); c.1808C>A, p.Ser603Tyr (NM_001407940.1, NM_001407941.1, NM_001407649.1 and 11 more transcripts); c.1793C>A, p.Ser598Tyr (NM_001407942.1, NM_001407944.1, NM_001407945.1 and 29 more transcripts); c.1790C>A, p.Ser597Tyr (NM_001407943.1, NM_001407964.1, NM_001407740.1 and 20 more transcripts); c.1601C>A, p.Ser534Tyr (NM_001407946.1, NM_001407947.1, NM_001407948.1 and 6 more transcripts); c.1598C>A, p.Ser533Tyr (NM_001407954.1, NM_001407955.1, NM_001407956.1 and 1 more transcripts); and 40 more; short protein forms S645Y, S598Y, S349Y, S517Y, S557Y, S574Y, S577Y, S578Y.
Identifiers: ClinVar variation 54404 (VCV000054404.28), dbSNP rs80357129, ClinGen allele CA001280.